The following is an entry in ClinVar:

NM_017570.5(OPLAH):c.466C>T (p.Arg156Cys)

Gene: OPLAH (5-oxoprolinase, ATP-hydrolysing; minus strand). Cytogenetic location: 8q24.3.
Variant type: single nucleotide variant.
Coding change: c.466C>T on transcript NM_017570.5 (MANE Select); coding-DNA position 466, C replaced by T.
Protein change: p.Arg156Cys; replaces arginine 156 with cysteine.
Molecular consequence: missense variant.
Genome position (GRCh38, 1-based): chr8:144,058,894, G>A on the plus strand (C>T on the coding strand, the complement: OPLAH is on the minus strand). VCF-style: chr8-144058894-G-A. GRCh37 (hg19) VCF-style: chr8-145113797-G-A.
Other names: short protein forms R156C.
Identifiers: ClinVar variation 2186506 (VCV002186506.1), dbSNP rs782072997, ClinGen allele CA4932268.
Genomic context (GRCh38, chr8:144,058,894, plus strand): 5'-GCTTCCCACGCAGGGCCCCCAGGTCCACAGGCTGCTGCACTTCCAGCAGGTCCCCCGTGC[G>A]GCCTTCCAGAAAAGCCCAGGAGGCCCCGTTAAAGGCCAGCAGGACCCTCCGGCCCCAAAT-3'
Protein context (NP_060040.1, residues 146-166): EAGTGTPVKG[Arg156Cys]TGDLLEVQQP

ClinVar aggregate classification (germline): Uncertain significance (1 of 4 stars; one submission).

Conditions:
5-Oxoprolinase deficiency (OPLAHD). Also called: 5-OXOPROLINURIA DUE TO 5-OXOPROLINASE DEFICIENCY. Identifiers: Orphanet 33572, MedGen C0268525, MONDO:0009825, OMIM 260005, HP:0040142.

Allele frequency attached by ClinVar (database versions not stated): gnomAD 0.00007; TOPMed 0.00009; gnomAD exomes 0.00028.

Submission:

Labcorp Genetics (formerly Invitae), Labcorp
Classification: Uncertain significance for 5-Oxoprolinase deficiency. Last evaluated: 2022-01-08. Review status: criteria provided, single submitter. Criteria: Invitae Variant Classification Sherloc (09022015). Collection method: clinical testing. Allele origin: germline.
Comment: This sequence change replaces arginine, which is basic and polar, with cysteine, which is neutral and slightly polar, at codon 156 of the OPLAH protein (p.Arg156Cys). This variant is present in population databases (rs782072997, gnomAD 0.02%). This variant has not been reported in the literature in individuals affected with OPLAH-related conditions. Algorithms developed to predict the effect of missense changes on protein structure and function output the following: SIFT: "Not Available"; PolyPhen-2: "Benign"; Align-GVGD: "Not Available". The cysteine amino acid residue is found in multiple mammalian species, which suggests that this missense change does not adversely affect protein function. In summary, the available evidence is currently insufficient to determine the role of this variant in disease. Therefore, it has been classified as a Variant of Uncertain Significance.